The following is an entry in ClinVar:

ClinVar aggregate classification (germline): Pathogenic (1 of 4 stars; one submission).

Conditions:
Duchenne muscular dystrophy (DMD). Also called: MUSCULAR DYSTROPHY, PSEUDOHYPERTROPHIC PROGRESSIVE, DUCHENNE TYPE; Duchenne Muscular Dystrophy (DMD). Identifiers: Orphanet 98896, MedGen C0013264, MONDO:0010679, OMIM 310200.

Submission:

Labcorp Genetics (formerly Invitae), Labcorp
Classification: Pathogenic for Duchenne muscular dystrophy. Last evaluated: 2022-09-01. Review status: criteria provided, single submitter. Criteria: Invitae Variant Classification Sherloc (09022015). Collection method: clinical testing. Allele origin: germline.
Comment: For these reasons, this variant has been classified as Pathogenic. ClinVar contains an entry for this variant (Variation ID: 1369656). This variant has not been reported in the literature in individuals affected with DMD-related conditions. This variant is not present in population databases (gnomAD no frequency). This sequence change creates a premature translational stop signal (p.Thr1189Leufs*12) in the DMD gene. It is expected to result in an absent or disrupted protein product. Loss-of-function variants in DMD are known to be pathogenic (PMID: 16770791, 25007885).

Literature cited by the submitters: PubMed 16770791; PubMed 25007885.

NM_004006.3(DMD):c.3565del (p.Thr1189fs)

Gene: DMD (dystrophin; minus strand). Cytogenetic location: Xp21.1.
Variant type: Deletion.
Coding change: c.3565del on transcript NM_004006.3 (MANE Select); coding-DNA position 3565, one base deleted (A; older notation c.3565delA).
Protein change: p.Thr1189fs; shifts the reading frame from threonine 1189.
Molecular consequence: frameshift variant.
Genome position (GRCh38, 1-based): chrX:32,454,700, T deleted on the plus strand (A on the coding strand, the reverse complement: DMD is on the minus strand); the first of 4 consecutive T bases (chrX:32,454,700-32,454,703); deleting any one gives the same sequence. VCF-style (leftmost placement, unchanged base first): chrX-32454699-GT-G. GRCh37 (hg19) VCF-style: chrX-32472816-GT-G.
Other names: c.3541del, p.Thr1181fs (NM_000109.4); c.3553del, p.Thr1185fs (NM_004009.3); c.3196del, p.Thr1066fs (NM_004010.3); short protein forms T1185fs, T1189fs, T1181fs, T1066fs.
Identifiers: ClinVar variation 1369656 (VCV001369656.6), dbSNP rs2148348431, ClinGen allele CA2573158577.